The following is an entry in ClinVar:

NM_181486.4(TBX5):c.1357G>A (p.Gly453Arg)

Gene: TBX5 (T-box transcription factor 5; minus strand). Cytogenetic location: 12q24.21.
Variant type: single nucleotide variant.
Coding change: c.1357G>A on transcript NM_181486.4 (MANE Select); coding-DNA position 1357, G replaced by A.
Protein change: p.Gly453Arg; replaces glycine 453 with arginine.
Molecular consequence: missense variant.
Genome position (GRCh38, 1-based): chr12:114,355,732, C>T on the plus strand (G>A on the coding strand, the complement: TBX5 is on the minus strand). VCF-style: chr12-114355732-C-T. GRCh37 (hg19) VCF-style: chr12-114793537-C-T.
Other names: c.1357G>A, p.Gly453Arg (NM_000192.3); c.1207G>A, p.Gly403Arg (NM_080717.4); short protein forms G403R, G453R.
Identifiers: ClinVar variation 3665920 (VCV003665920.2).
Genomic context (GRCh38, chr12:114,355,732, plus strand): 5'-GAGGCCCACACTGCCTGACCACAGGCTGGTGGGCCACGGAGGTCTGGTGCTGGAACATTC[C>T]CTCTCCCAGCTGTGGGGAGCCATGGTTGGCCATGCCAGCCAGCCGAGGGACCAGGGGCCC-3'
Protein context (NP_852259.1, residues 443-463): ANHGSPQLGE[Gly453Arg]MFQHQTSVAH

ClinVar aggregate classification (germline): Uncertain significance (1 of 4 stars; one submission).

Conditions:
Aortic valve disease 2 (AOVD2). Identifiers: MedGen C3542024, MONDO:0013902, OMIM 614823.

Submission:

Labcorp Genetics (formerly Invitae), Labcorp
Classification: Uncertain significance for Aortic valve disease 2. Last evaluated: 2024-10-30. Review status: criteria provided, single submitter. Criteria: Invitae Variant Classification Sherloc (09022015). Collection method: clinical testing. Allele origin: germline.
Comment: This sequence change replaces glycine, which is neutral and non-polar, with arginine, which is basic and polar, at codon 453 of the TBX5 protein (p.Gly453Arg). This variant is not present in population databases (gnomAD no frequency). This variant has not been reported in the literature in individuals affected with TBX5-related conditions. Invitae Evidence Modeling of protein sequence and biophysical properties (such as structural, functional, and spatial information, amino acid conservation, physicochemical variation, residue mobility, and thermodynamic stability) indicates that this missense variant is not expected to disrupt TBX5 protein function with a negative predictive value of 80%. In summary, the available evidence is currently insufficient to determine the role of this variant in disease. Therefore, it has been classified as a Variant of Uncertain Significance.